The following is an entry in ClinVar:

NM_206933.4(USH2A):c.8681+2T>C

Gene: USH2A (usherin; minus strand). Cytogenetic location: 1q41.
Variant type: single nucleotide variant.
Coding change: c.8681+2T>C on transcript NM_206933.4 (MANE Select); the canonical splice donor site of the intron after coding-DNA position 8681, T replaced by C.
Molecular consequence: splice donor variant.
Genome position (GRCh38, 1-based): chr1:215,877,756, A>G on the plus strand (T>C on the coding strand, the complement: USH2A is on the minus strand). VCF-style: chr1-215877756-A-G. GRCh37 (hg19) VCF-style: chr1-216051098-A-G.
Identifiers: ClinVar variation 1213933 (VCV001213933.9), dbSNP rs2102450642, ClinGen allele CA344828766.

ClinVar aggregate classification (germline): Pathogenic. Review status: criteria provided, multiple submitters, no conflicts (2 of 4 stars). 3 submissions from 3 submitters: Pathogenic (3). Last evaluated 2026-01-25.

Conditions:
Retinitis pigmentosa 39 (RP39). Identifiers: Orphanet 791, MedGen C3151138, MONDO:0013436, OMIM 613809.

Submissions (3):

Labcorp Genetics (formerly Invitae), Labcorp
Classification: Pathogenic. Last evaluated: 2026-01-25. Review status: criteria provided, single submitter. Criteria: Invitae Variant Classification Sherloc (09022015). Collection method: clinical testing. Allele origin: germline.
Comment: This sequence change affects a donor splice site in intron 43 of the USH2A gene. It is expected to disrupt RNA splicing. Variants that disrupt the donor or acceptor splice site typically lead to a loss of protein function (PMID: 16199547), and loss-of-function variants in USH2A are known to be pathogenic (PMID: 10729113, 10909849, 20507924, 25649381). This variant is not present in population databases (gnomAD no frequency). Disruption of this splice site has been observed in individuals with Usher syndrome, retinitis pigmentosa (PMID: 28944237; internal data). ClinVar contains an entry for this variant (Variation ID: 1213933). Algorithms developed to predict the effect of sequence changes on RNA splicing suggest that this variant may disrupt the consensus splice site. For these reasons, this variant has been classified as Pathogenic.

Genome-Nilou Lab
Classification: Pathogenic for Retinitis pigmentosa 39. Last evaluated: 2023-04-11. Review status: criteria provided, single submitter. Criteria: ACMG Guidelines, 2015. Collection method: clinical testing. Allele origin: germline. Affected: no.

DBGen Ocular Genomics
Classification: Pathogenic for Retinitis pigmentosa 39. Last evaluated: 2021-06-23. Review status: criteria provided, single submitter. Criteria: ACMG Guidelines, 2015. Collection method: clinical testing. Allele origin: germline. Affected: yes. Observed: 1 variant allele.

Literature cited by the submitters: PubMed 16199547 (cited by Labcorp Genetics (formerly Invitae), Labcorp); PubMed 10729113 (cited by Labcorp Genetics (formerly Invitae), Labcorp); PubMed 10909849 (cited by Labcorp Genetics (formerly Invitae), Labcorp); PubMed 20507924 (cited by Labcorp Genetics (formerly Invitae), Labcorp); PubMed 25649381 (cited by Labcorp Genetics (formerly Invitae), Labcorp); PubMed 28944237 (cited by Labcorp Genetics (formerly Invitae), Labcorp).